The following is an entry in ClinVar:

ClinVar aggregate classification (germline): Pathogenic (1 of 4 stars; one submission).

Submission:

Mayo Clinic Laboratories, Mayo Clinic
Classification: Pathogenic. Last evaluated: 2023-09-22. Review status: criteria provided, single submitter. Criteria: ACMG Guidelines, 2015. Collection method: clinical testing. Allele origin: germline. Observed: 1 variant allele.
Comment: PM2, PS1, PVS1

Literature cited by the submitters: PubMed 30251589.

NM_000020.3(ACVRL1):c.42dup (p.Met15fs)

Gene: ACVRL1 (activin A receptor like type 1; plus strand). Cytogenetic location: 12q13.13.
Variant type: Duplication.
Coding change: c.42dup on transcript NM_000020.3 (MANE Select); coding-DNA position 42, one base duplicated (G; older notation c.42dupG).
Protein change: p.Met15fs; shifts the reading frame from methionine 15.
Molecular consequence: frameshift variant.
Genome position (GRCh38, 1-based): chr12:51,912,516, G duplicated. VCF-style (leftmost placement, unchanged base first): chr12-51912515-T-TG. GRCh37 (hg19) VCF-style: chr12-52306299-T-TG.
Other names: p.Met15Aspfs*23; c.42dup, p.Met15fs (NM_001077401.2, NM_001406487.1, NM_001406488.1 and 7 more transcripts); short protein forms M15fs.
Identifiers: ClinVar variation 3381087 (VCV003381087.1).